The following is an entry in ClinVar:

NM_182699.4(DDX53):c.80G>A (p.Ser27Asn)

Genes: DDX53 (DEAD-box helicase 53; plus strand), PTCHD1-AS (PTCHD1 and PHEX antisense RNA; minus strand). Cytogenetic location: Xp22.11.
Variant type: single nucleotide variant.
Coding change: c.80G>A on transcript NM_182699.4 (MANE Select); coding-DNA position 80, G replaced by A.
Protein change: p.Ser27Asn; replaces serine 27 with asparagine.
Molecular consequence: missense variant.
Genome position (GRCh38, 1-based): chrX:23,000,137, G>A. VCF-style: chrX-23000137-G-A. GRCh37 (hg19) VCF-style: chrX-23018254-G-A.
Other names: short protein forms S27N.
Identifiers: ClinVar variation 2516544 (VCV002516544.26), dbSNP rs151314033, ClinGen allele CA10368697.

ClinVar aggregate classification (germline): Conflicting classifications of pathogenicity. Review status: criteria provided, conflicting classifications (1 of 4 stars). 2 submissions from 2 submitters: Uncertain significance (1); Likely benign (1). Last evaluated 2023-04-12.

Allele frequency attached by ClinVar (database versions not stated): ExAC 0.00003; TOPMed 0.00005; gnomAD 0.00006; ESP Exome Variant Server 0.00009.

Submissions (2):

Ambry Genetics
Classification: Uncertain significance. Last evaluated: 2023-04-12. Review status: criteria provided, single submitter. Criteria: Ambry Variant Classification Scheme 2023. Collection method: clinical testing. Allele origin: germline.

CeGaT Center for Human Genetics Tuebingen
Classification: Likely benign. Last evaluated: 2023-03-01. Review status: criteria provided, single submitter. Criteria: CeGaT Center For Human Genetics Tuebingen Variant Classification Criteria Version 2. Collection method: clinical testing. Allele origin: germline. Affected: yes. Observed: 1 variant allele.
Comment: DDX53: BS2